The following is an entry in ClinVar:

ClinVar aggregate classification (germline): Conflicting classifications of pathogenicity. Review status: criteria provided, conflicting classifications (1 of 4 stars). 7 submissions from 7 submitters: Uncertain significance (1); Likely benign (6). Last evaluated 2026-05-01.

Conditions:
Cardiovascular phenotype. Identifiers: MedGen CN230736.
Long QT syndrome (LQTS). Identifiers: MedGen C0023976, MeSH D008133, MONDO:0002442. Disease mechanism: loss of function. Inheritance: Various modes of inheritance.
Cardiac arrhythmia, ankyrin-B-related. Also called: ANKYRIN-B SYNDROME. Identifiers: Orphanet 101016, Orphanet 768, MedGen C1970119, MONDO:0010958, OMIM 600919.
Hypertrophic cardiomyopathy. Also called: HYPERTROPHIC MYOCARDIOPATHY. Identifiers: Orphanet 217569, MedGen C0007194, MeSH D002312, MONDO:0005045, HP:0001639.

Allele frequency attached by ClinVar (database versions not stated): gnomAD 0.00001; gnomAD exomes 0.00004 and 0.00020; TOPMed 0.00009; ExAC 0.00020.
gnomAD v4.1: 55 of 1,613,984 alleles (0.0034%); highest among the groups gnomAD compares: Admixed American, 0.088%; no homozygotes.

Submissions (7):

CeGaT Center for Human Genetics Tuebingen
Classification: Uncertain significance. Last evaluated: 2026-05-01. Review status: criteria provided, single submitter. Criteria: CeGaT Center For Human Genetics Tuebingen Variant Classification Criteria Version 2. Collection method: clinical testing. Allele origin: germline. Affected: yes. Observed: 1 variant allele.

Labcorp Genetics (formerly Invitae), Labcorp
Classification: Likely benign for Long QT syndrome. Last evaluated: 2025-11-21. Review status: criteria provided, single submitter. Criteria: Invitae Variant Classification Sherloc (09022015). Collection method: clinical testing. Allele origin: germline.

Fulgent Genetics
Classification: Likely benign for Cardiac arrhythmia, ankyrin-B-related. Last evaluated: 2021-08-12. Review status: criteria provided, single submitter. Criteria: ACMG Guidelines, 2015. Collection method: clinical testing. Allele origin: unknown.

Center for Advanced Laboratory Medicine, UC San Diego Health, University of California San Diego
Classification: Likely benign for Hypertrophic cardiomyopathy. Last evaluated: 2019-03-25. Review status: criteria provided, single submitter. Criteria: ACMG Guidelines, 2015. Collection method: clinical testing. Allele origin: germline. Affected: yes. Observed: 1 variant allele.

Ambry Genetics
Classification: Likely benign for Cardiovascular phenotype. Last evaluated: 2018-11-27. Review status: criteria provided, single submitter. Criteria: Ambry Variant Classification Scheme 2023. Collection method: clinical testing. Allele origin: germline.

GeneDx
Classification: Likely benign. Last evaluated: 2017-04-04. Review status: criteria provided, single submitter. Criteria: GeneDx Variant Classification (06012015). Collection method: clinical testing. Allele origin: germline. Affected: yes.
Comment: This variant is considered likely benign or benign based on one or more of the following criteria: it is a conservative change, it occurs at a poorly conserved position in the protein, it is predicted to be benign by multiple in silico algorithms, and/or has population frequency not consistent with disease.

Women's Health and Genetics/Laboratory Corporation of America, LabCorp
Classification: Likely benign. Last evaluated: 2016-03-07. Review status: criteria provided, single submitter. Criteria: LabCorp Variant Classification Summary - May 2015. Collection method: clinical testing. Allele origin: germline.

NM_001148.6(ANK2):c.9598C>T (p.Leu3200Phe)

Gene: ANK2 (ankyrin 2; plus strand). Cytogenetic location: 4q26.
Variant type: single nucleotide variant.
Coding change: c.9598C>T on transcript NM_001148.6 (MANE Select); coding-DNA position 9598, C replaced by T.
Protein change: p.Leu3200Phe; replaces leucine 3200 with phenylalanine.
Molecular consequence: missense variant. On other transcripts: intron variant (68).
Genome position (GRCh38, 1-based): chr4:113,358,216, C>T. VCF-style: chr4-113358216-C-T. GRCh37 (hg19) VCF-style: chr4-114279372-C-T.
Other names: c.9364C>T, p.Leu3122Phe (NM_001386142.1); c.5998C>T, p.Leu2000Phe (NM_001386166.1); c.9739C>T, p.Leu3247Phe (NM_001386174.1); c.9715C>T, p.Leu3239Phe (NM_001386175.1); c.4412-2607C>T (NM_001386186.2, NM_001386148.2); c.4214-2607C>T (NM_001354269.3); c.4292-2607C>T (NM_001386187.2); c.4253-2607C>T (NM_001386147.1); and 35 more; short protein forms L3200F, L2000F, L3122F, L3239F, L3247F.
Identifiers: ClinVar variation 238596 (VCV000238596.15), dbSNP rs750774547, ClinGen allele CA3051948.